The following is an entry in ClinVar:

ClinVar aggregate classification (germline): Uncertain significance (1 of 4 stars; one submission).

Conditions:
Hereditary nonpolyposis colorectal neoplasms. Identifiers: MedGen C0009405, MeSH D003123.

Submission:

Labcorp Genetics (formerly Invitae), Labcorp
Classification: Uncertain significance for Hereditary nonpolyposis colorectal neoplasms. Last evaluated: 2024-03-24. Review status: criteria provided, single submitter. Criteria: Invitae Variant Classification Sherloc (09022015). Collection method: clinical testing. Allele origin: germline.
Comment: This sequence change replaces leucine, which is neutral and non-polar, with isoleucine, which is neutral and non-polar, at codon 758 of the MSH6 protein (p.Leu758Ile). This variant is not present in population databases (gnomAD no frequency). This variant has not been reported in the literature in individuals affected with MSH6-related conditions. Advanced modeling of protein sequence and biophysical properties (such as structural, functional, and spatial information, amino acid conservation, physicochemical variation, residue mobility, and thermodynamic stability) has been performed at Invitae for this missense variant, however the output from this modeling did not meet the statistical confidence thresholds required to predict the impact of this variant on MSH6 protein function. In summary, the available evidence is currently insufficient to determine the role of this variant in disease. Therefore, it has been classified as a Variant of Uncertain Significance.

NM_000179.3(MSH6):c.2272C>A (p.Leu758Ile)

Gene: MSH6 (mutS homolog 6; plus strand). Cytogenetic location: 2p16.3.
Variant type: single nucleotide variant.
Coding change: c.2272C>A on transcript NM_000179.3 (MANE Select); coding-DNA position 2272, C replaced by A.
Protein change: p.Leu758Ile; replaces leucine 758 with isoleucine.
Molecular consequence: missense variant. On other transcripts: non-coding transcript variant (5), intron variant (2).
Genome position (GRCh38, 1-based): chr2:47,800,255, C>A. VCF-style: chr2-47800255-C-A. GRCh37 (hg19) VCF-style: chr2-48027394-C-A.
Other names: c.2194C>A, p.Leu732Ile (NM_001406804.1); c.1975C>A, p.Leu659Ile (NM_001406805.1, NM_001406797.1, NM_001406801.1 and 10 more transcripts); c.1747C>A, p.Leu583Ile (NM_001406806.1, NM_001406807.1, NM_001406799.1); c.2272C>A, p.Leu758Ile (NM_001406808.1, NM_001406809.1, NM_001406796.1 and 3 more transcripts); c.1366C>A, p.Leu456Ile (NM_001406811.1, NM_001406812.1, NM_001281493.2 and 6 more transcripts); c.2278C>A, p.Leu760Ile (NM_001406813.1); c.1882C>A, p.Leu628Ile (NM_001281492.2); c.2368C>A, p.Leu790Ile (NM_001406795.1, NM_001406802.1); and 3 more; short protein forms L583I, L659I, L732I, L628I, L790I, L758I, L456I, L702I.
Identifiers: ClinVar variation 3633947 (VCV003633947.2).